The following is an entry in ClinVar:

ClinVar aggregate classification (germline): Pathogenic/Likely pathogenic. Review status: criteria provided, multiple submitters, no conflicts (2 of 4 stars). 10 submissions from 10 submitters: Pathogenic (3); Likely pathogenic (7). Last evaluated 2025-12-12.

Conditions:
AGL-related disorder. Also called: AGL-related condition.
Glycogen storage disease type III (GSD3). Also called: Cori disease; FORBES DISEASE. Identifiers: Orphanet 366, MedGen C0017922, MONDO:0009291, OMIM 232400.

Allele frequency attached by ClinVar (database versions not stated): gnomAD exomes below 0.00001.
gnomAD v4.1: 3 of 1,613,948 alleles (0.00019%); highest among the groups gnomAD compares: Middle Eastern, 0.033%; no homozygotes.

Submissions (10):

PreventionGenetics, part of Exact Sciences
Classification: Likely pathogenic for AGL-related condition. Last evaluated: 2025-12-12. Review status: criteria provided, single submitter. Criteria: ACMG Guidelines, 2015. Collection method: clinical testing. Allele origin: germline.
Comment: The AGL c.294-2A>T variant is predicted to disrupt the AG splice acceptor site and interfere with normal splicing. This variant has been reported in the apparently homozygous state in individuals with hypotonia, scoliosis, hepatomegaly, hypoglycemia, and/or increased creatine kinase (Table S1, Monies et al. 2019. PubMed ID: 31130284; PreventionGenetics, internal data). This variant has not been reported in a large population database (gnomAD), indicating this variant is rare. Variants that disrupt the consensus splice acceptor site in AGL are expected to be pathogenic. This variant is interpreted as likely pathogenic.

Labcorp Genetics (formerly Invitae), Labcorp
Classification: Likely pathogenic for Glycogen storage disease type III. Last evaluated: 2025-03-13. Review status: criteria provided, single submitter. Criteria: Invitae Variant Classification Sherloc (09022015). Collection method: clinical testing. Allele origin: germline.
Comment: This sequence change affects an acceptor splice site in intron 3 of the AGL gene. It is expected to disrupt RNA splicing. Variants that disrupt the donor or acceptor splice site typically lead to a loss of protein function (PMID: 16199547), and loss-of-function variants in AGL are known to be pathogenic (PMID: 19299494). This variant is not present in population databases (gnomAD no frequency). Disruption of this splice site has been observed in individual(s) with clinical features of AGL-related conditions (PMID: 31130284). ClinVar contains an entry for this variant (Variation ID: 370920). Algorithms developed to predict the effect of sequence changes on RNA splicing suggest that this variant may disrupt the consensus splice site. In summary, the currently available evidence indicates that the variant is pathogenic, but additional data are needed to prove that conclusively. Therefore, this variant has been classified as Likely Pathogenic.

Natera, Inc.
Classification: Likely pathogenic for Glycogen storage disease type III. Last evaluated: 2024-07-19. Review status: criteria provided, single submitter. Criteria: Natera Variant Classification Schema (03/2026). Collection method: clinical testing. Allele origin: germline.
Comment: The c.294-2A>T variant in AGL is a canonical splice acceptor site variant predicted to affect pre-mRNA splicing, which may result in an abnormal transcript and altered protein product. This variant is expected to result in nonsense mediated decay, truncation, or a dysfunctional protein product. This variant is rare in the general population with a frequency below the threshold expected for the associated phenotype(s). Given the available evidence, this variant is classified as Likely Pathogenic.

Genomic Medicine Center of Excellence, King Faisal Specialist Hospital and Research Centre
Classification: Pathogenic for Glycogen storage disease type III. Last evaluated: 2024-03-17. Review status: criteria provided, single submitter. Criteria: ACMG Guidelines, 2015. Collection method: research. Allele origin: germline.

Baylor Genetics
Classification: Likely pathogenic for Glycogen storage disease type III. Last evaluated: 2024-02-27. Review status: criteria provided, single submitter. Criteria: ACMG Guidelines, 2015. Collection method: clinical testing. Allele origin: unknown.

Revvity Omics, Revvity
Classification: Pathogenic for Glycogen storage disease type III. Last evaluated: 2023-12-27. Review status: criteria provided, single submitter. Criteria: ACMG Guidelines, 2015. Collection method: clinical testing. Allele origin: germline.

Genome-Nilou Lab
Classification: Likely pathogenic for Glycogen storage disease type III. Last evaluated: 2023-04-11. Review status: criteria provided, single submitter. Criteria: ACMG Guidelines, 2015. Collection method: clinical testing. Allele origin: germline. Affected: no.

CeGaT Center for Human Genetics Tuebingen
Classification: Pathogenic. Last evaluated: 2022-03-01. Review status: criteria provided, single submitter. Criteria: CeGaT Center For Human Genetics Tuebingen Variant Classification Criteria Version 2. Collection method: clinical testing. Allele origin: germline. Affected: yes. Observed: 1 variant allele.
Comment: AGL: PVS1, PM2

Myriad Genetics, Inc.
Classification: Likely pathogenic for Glycogen storage disease type III. Last evaluated: 2021-11-19. Review status: criteria provided, single submitter. Criteria: Myriad Women's Health Autosomal Recessive and X-Linked Classification Criteria (2021). Collection method: clinical testing. Allele origin: unknown.
Comment: NM_000642.2(AGL):c.294-2A>T is a canonical splice variant classified as likely pathogenic in the context of glycogen storage disease type III. c.294-2A>T has not been observed in cases with relevant disease. Functional assessments of this variant are not available in the literature. c.294-2A>T has not been observed in population frequency databases. In summary, NM_000642.2(AGL):c.294-2A>T is a canonical splice variant in a gene where loss of function is a known mechanism of disease and is predicted to disrupt protein function. Please note: this variant was assessed in the context of healthy population screening.

Fulgent Genetics
Classification: Likely pathogenic for Glycogen storage disease type III. Last evaluated: 2021-10-25. Review status: criteria provided, single submitter. Criteria: ACMG Guidelines, 2015. Collection method: clinical testing. Allele origin: unknown.

Literature cited by the submitters: PubMed 16199547 (cited by Labcorp Genetics (formerly Invitae), Labcorp); PubMed 19299494 (cited by Labcorp Genetics (formerly Invitae), Labcorp); PubMed 31130284 (cited by Labcorp Genetics (formerly Invitae), Labcorp).

NM_000642.3(AGL):c.294-2A>T

Gene: AGL (amylo-alpha-1,6-glucosidase and 4-alpha-glucanotransferase; plus strand). Cytogenetic location: 1p21.2.
Variant type: single nucleotide variant.
Coding change: c.294-2A>T on transcript NM_000642.3 (MANE Select); the canonical splice acceptor site of the intron before coding-DNA position 294, A replaced by T.
Molecular consequence: splice acceptor variant. On other transcripts: intron variant (1).
Genome position (GRCh38, 1-based): chr1:99,862,255, A>T. VCF-style: chr1-99862255-A-T. GRCh37 (hg19) VCF-style: chr1-100327811-A-T.
Other names: c.294-2A>T (NM_000028.2, NM_000643.3, NM_000644.3 and 6 more transcripts); c.246-2A>T (NM_000646.3); c.83-2131A>T (NM_001425332.1).
Identifiers: ClinVar variation 370920 (VCV000370920.57), dbSNP rs1057516868, ClinGen allele CA16040823.